The following is an entry in ClinVar:

ClinVar aggregate classification (germline): Benign (1 of 4 stars; one submission).

Allele frequency attached by ClinVar (database versions not stated): gnomAD exomes 0.00362; 1000 Genomes Project 0.02776; gnomAD 0.02834 and 0.03031; 1000 Genomes Project 30x 0.03045; TOPMed 0.03254.
gnomAD v4.1: 6,158 of 634,148 alleles (0.97%); highest among the groups gnomAD compares: African/African-American, 9.6%; 264 homozygotes.

Submission:

GeneDx
Classification: Benign. Last evaluated: 2018-06-16. Review status: criteria provided, single submitter. Criteria: GeneDx Variant Classification (06012015). Collection method: clinical testing. Allele origin: germline. Affected: yes.
Comment: This variant is considered likely benign or benign based on one or more of the following criteria: it is a conservative change, it occurs at a poorly conserved position in the protein, it is predicted to be benign by multiple in silico algorithms, and/or has population frequency not consistent with disease.

NM_002230.4(JUP):c.-8-224C>T

Gene: JUP (junction plakoglobin; minus strand). Cytogenetic location: 17q21.2.
Variant type: single nucleotide variant.
Coding change: c.-8-224C>T on transcript NM_002230.4 (MANE Select); 224 bases into the intron before 8 bases upstream of the start codon, C replaced by T.
Molecular consequence: intron variant.
Genome position (GRCh38, 1-based): chr17:41,772,086, G>A on the plus strand (C>T on the coding strand, the complement: JUP is on the minus strand). VCF-style: chr17-41772086-G-A. GRCh37 (hg19) VCF-style: chr17-39928338-G-A.
Other names: c.-5-227C>T (NM_001352774.2, NM_001352775.2); c.-8-224C>T (NM_021991.4, NM_001352776.2, NM_001352773.2 and 1 more transcripts).
Identifiers: ClinVar variation 678570 (VCV000678570.1), dbSNP rs75091829, ClinGen allele CA290701458.